The following is an entry in ClinVar:

NM_004369.4(COL6A3):c.1111C>T (p.Gln371Ter)

Gene: COL6A3 (collagen type VI alpha 3 chain; minus strand). Cytogenetic location: 2q37.3.
Variant type: single nucleotide variant.
Coding change: c.1111C>T on transcript NM_004369.4 (MANE Select); coding-DNA position 1111, C replaced by T.
Protein change: p.Gln371Ter; replaces glutamine 371 with a stop codon.
Molecular consequence: nonsense. On other transcripts: intron variant (2).
Genome position (GRCh38, 1-based): chr2:237,387,783, G>A on the plus strand (C>T on the coding strand, the complement: COL6A3 is on the minus strand). VCF-style: chr2-237387783-G-A. GRCh37 (hg19) VCF-style: chr2-238296426-G-A.
Other names: c.493C>T, p.Gln165Ter (NM_057165.5, NM_057167.4); c.92-6284C>T (NM_057166.5, NM_057164.5); short protein forms Q371*, Q165*.
Identifiers: ClinVar variation 4731016 (VCV004731016.1).
Genomic context (GRCh38, chr2:237,387,783, plus strand): 5'-GCTGAAGCTCTGCCCTGGAGGCGGCCTGGGCTCCAAGGCCGAATGAGAACACGCTAGCCT[G>A]CTTCAGTGCTACCACCCCGTAGCGAATCTCGTCACTAGAAGGCCCGGCACTTATGAGGAC-3'

ClinVar aggregate classification (germline): Pathogenic (1 of 4 stars; one submission).

Conditions:
Bethlem myopathy 1A. Also called: MYOPATHY, BENIGN CONGENITAL, WITH CONTRACTURES; Bethlem myopathy 1; Bethlem Muscular Dystrophy. Identifiers: Orphanet 610, MedGen CN029274, MONDO:0024530, OMIM 158810.

Submission:

Labcorp Genetics (formerly Invitae), Labcorp
Classification: Pathogenic for Bethlem myopathy 1A. Last evaluated: 2025-11-19. Review status: criteria provided, single submitter. Criteria: Invitae Variant Classification Sherloc (09022015). Collection method: clinical testing. Allele origin: germline.
Comment: This sequence change creates a premature translational stop signal (p.Gln371*) in the COL6A3 gene. It is expected to result in an absent or disrupted protein product. Loss-of-function variants in COL6A3 are known to be pathogenic (PMID: 26004199). This variant is present in population databases (no rsID available, gnomAD 0.003%). This variant has not been reported in the literature in individuals affected with COL6A3-related conditions. For these reasons, this variant has been classified as Pathogenic.

Literature cited by the submitters: PubMed 26004199.